The following is an entry in ClinVar:

ClinVar aggregate classification (germline): Uncertain significance. Review status: criteria provided, multiple submitters, no conflicts (2 of 4 stars). 4 submissions from 4 submitters: Uncertain significance (4). Last evaluated 2023-11-02.

Conditions:
Cardiovascular phenotype. Identifiers: MedGen CN230736.
Cholestanol storage disease (CTX). Also called: CTX: Cerebrotendinous xanthomatosis; CEREBRAL CHOLESTERINOSIS; Cerebrotendinous Xanthomatosis. Identifiers: Orphanet 909, MedGen C0238052, MONDO:0008948, OMIM 213700.

Allele frequency attached by ClinVar (database versions not stated): gnomAD 0.00001; gnomAD exomes 0.00001 and 0.00002; TOPMed 0.00001; ExAC 0.00002; ESP Exome Variant Server 0.00008.
gnomAD v4.1: 16 of 1,613,630 alleles (0.00099%); highest among the groups gnomAD compares: Middle Eastern, 0.033%; no homozygotes.

Submissions (4):

Mayo Clinic Laboratories, Mayo Clinic
Classification: Uncertain significance. Last evaluated: 2023-11-02. Review status: criteria provided, single submitter. Criteria: ACMG Guidelines, 2015. Collection method: clinical testing. Allele origin: germline. Observed: 1 variant allele.
Comment: BP4, PM2_moderate

Ambry Genetics
Classification: Uncertain significance for Cardiovascular phenotype. Last evaluated: 2022-11-17. Review status: criteria provided, single submitter. Criteria: Ambry Variant Classification Scheme 2023. Collection method: clinical testing. Allele origin: germline.
Comment: The p.R53L variant (also known as c.158G>T), located in coding exon 1 of the CYP27A1 gene, results from a G to T substitution at nucleotide position 158. The arginine at codon 53 is replaced by leucine, an amino acid with dissimilar properties. This amino acid position is conserved. In addition, this alteration is predicted to be tolerated by in silico analysis. Since supporting evidence is limited at this time, the clinical significance of this alteration remains unclear.

Labcorp Genetics (formerly Invitae), Labcorp
Classification: Uncertain significance for Cholestanol storage disease. Last evaluated: 2022-05-20. Review status: criteria provided, single submitter. Criteria: Invitae Variant Classification Sherloc (09022015). Collection method: clinical testing. Allele origin: germline.
Comment: This sequence change replaces arginine, which is basic and polar, with leucine, which is neutral and non-polar, at codon 53 of the CYP27A1 protein (p.Arg53Leu). This variant is present in population databases (rs376993392, gnomAD 0.004%). This variant has not been reported in the literature in individuals affected with CYP27A1-related conditions. ClinVar contains an entry for this variant (Variation ID: 500520). Advanced modeling of protein sequence and biophysical properties (such as structural, functional, and spatial information, amino acid conservation, physicochemical variation, residue mobility, and thermodynamic stability) performed at Invitae indicates that this missense variant is not expected to disrupt CYP27A1 protein function. In summary, the available evidence is currently insufficient to determine the role of this variant in disease. Therefore, it has been classified as a Variant of Uncertain Significance.

Eurofins Ntd Llc (ga)
Classification: Uncertain significance. Last evaluated: 2017-02-22. Review status: criteria provided, single submitter. Criteria: EGL Classification Definitions 2015. Collection method: clinical testing. Allele origin: germline. Observed: 1 variant allele, 1 heterozygote.

NM_000784.4(CYP27A1):c.158G>T (p.Arg53Leu)

Gene: CYP27A1 (cytochrome P450 family 27 subfamily A member 1; plus strand). Cytogenetic location: 2q35.
Variant type: single nucleotide variant.
Coding change: c.158G>T on transcript NM_000784.4 (MANE Select); coding-DNA position 158, G replaced by T.
Protein change: p.Arg53Leu; replaces arginine 53 with leucine.
Molecular consequence: missense variant.
Genome position (GRCh38, 1-based): chr2:218,782,340, G>T. VCF-style: chr2-218782340-G-T. GRCh37 (hg19) VCF-style: chr2-219647063-G-T.
Other names: p.Arg53Leu; c.158G>T (NM_000784.3); short protein forms R53L.
Identifiers: ClinVar variation 500520 (VCV000500520.9), dbSNP rs376993392, ClinGen allele CA2112525.